The following is an entry in ClinVar:

ClinVar aggregate classification (germline): Uncertain significance (1 of 4 stars; one submission).

Conditions:
Hereditary cancer-predisposing syndrome. Also called: Tumor predisposition; Hereditary Cancer Syndrome; Hereditary neoplastic syndrome; Neoplastic Syndromes, Hereditary. Identifiers: Orphanet 140162, MedGen C0027672, MeSH D009386, MONDO:0015356.

Submission:

Ambry Genetics
Classification: Uncertain significance for Hereditary cancer-predisposing syndrome. Last evaluated: 2024-03-27. Review status: criteria provided, single submitter. Criteria: Ambry Variant Classification Scheme 2023. Collection method: clinical testing. Allele origin: germline.
Comment: The p.T607S variant (also known as c.1820C>G), located in coding exon 12 of the KIT gene, results from a C to G substitution at nucleotide position 1820. The threonine at codon 607 is replaced by serine, an amino acid with similar properties. This amino acid position is conserved. In addition, the in silico prediction for this alteration is inconclusive. Based on the available evidence, the clinical significance of this alteration remains unclear.

NM_000222.3(KIT):c.1820C>G (p.Thr607Ser)

Gene: KIT (KIT proto-oncogene, receptor tyrosine kinase; plus strand). Cytogenetic location: 4q12.
Variant type: single nucleotide variant.
Coding change: c.1820C>G on transcript NM_000222.3 (MANE Select); coding-DNA position 1820, C replaced by G.
Protein change: p.Thr607Ser; replaces threonine 607 with serine.
Molecular consequence: missense variant.
Genome position (GRCh38, 1-based): chr4:54,727,868, C>G. VCF-style: chr4-54727868-C-G. GRCh37 (hg19) VCF-style: chr4-55594034-C-G.
Other names: c.1808C>G, p.Thr603Ser (NM_001093772.2, NM_001385286.1); c.1823C>G, p.Thr608Ser (NM_001385284.1, NM_001385290.1); c.1820C>G, p.Thr607Ser (NM_001385285.1); c.1811C>G, p.Thr604Ser (NM_001385288.1, NM_001385292.1); short protein forms T607S, T603S, T604S, T608S.
Identifiers: ClinVar variation 3288749 (VCV003288749.1).